The following is an entry in ClinVar:

ClinVar aggregate classification (germline): Uncertain significance (1 of 4 stars; one submission).

Conditions:
Idiopathic generalized epilepsy. Also called: Generalised epilepsy; EIG. Identifiers: MedGen C0270850, MONDO:0005579, OMIM 600669.

Allele frequency attached by ClinVar (database versions not stated): TOPMed below 0.00001; gnomAD 0.00001 and 0.00002; gnomAD exomes 0.00001 and 0.00003; 1000 Genomes Project 30x 0.00016; ESP Exome Variant Server 0.00022.
gnomAD v4.1: 36 of 1,437,742 alleles (0.0025%); highest among the groups gnomAD compares: South Asian, 0.033%; no homozygotes.

Submission:

Labcorp Genetics (formerly Invitae), Labcorp
Classification: Uncertain significance for Idiopathic generalized epilepsy. Last evaluated: 2024-09-10. Review status: criteria provided, single submitter. Criteria: Invitae Variant Classification Sherloc (09022015). Collection method: clinical testing. Allele origin: germline.
Comment: This sequence change replaces proline, which is neutral and non-polar, with leucine, which is neutral and non-polar, at codon 27 of the RBFOX3 protein (p.Pro27Leu). This variant is present in population databases (rs368393347, gnomAD 0.01%). This variant has not been reported in the literature in individuals affected with RBFOX3-related conditions. ClinVar contains an entry for this variant (Variation ID: 941581). An algorithm developed to predict the effect of missense changes on protein structure and function (PolyPhen-2) suggests that this variant is likely to be disruptive. In summary, the available evidence is currently insufficient to determine the role of this variant in disease. Therefore, it has been classified as a Variant of Uncertain Significance.

NM_001350451.2(RBFOX3):c.80C>T (p.Pro27Leu)

Gene: RBFOX3 (RNA binding fox-1 homolog 3; minus strand). Cytogenetic location: 17q25.3.
Variant type: single nucleotide variant.
Coding change: c.80C>T on transcript NM_001350451.2 (MANE Select); coding-DNA position 80, C replaced by T.
Protein change: p.Pro27Leu; replaces proline 27 with leucine.
Molecular consequence: missense variant.
Genome position (GRCh38, 1-based): chr17:79,115,636, G>A on the plus strand (C>T on the coding strand, the complement: RBFOX3 is on the minus strand). VCF-style: chr17-79115636-G-A. GRCh37 (hg19) VCF-style: chr17-77111718-G-A.
Other names: c.80C>T, p.Pro27Leu (NM_001082575.3, NM_001350453.2, NM_001385804.1 and 43 more transcripts); short protein forms P27L.
Identifiers: ClinVar variation 941581 (VCV000941581.10), dbSNP rs368393347, ClinGen allele CA294804060.
Genomic context (GRCh38, chr17:79,115,636, plus strand): 5'-AGGGTCATGCCATGCTCTGTGGGGACCGGGGTCTGGCCGGAGTAGTCCTGCGTGGGGTGC[G>A]GTGGGGGCGGGGCGTACTCGGCAGGGATGCCGTTCTGTGGCGGAGGGGGGTACTGGGCGG-3'
Protein context (NP_001337380.1, residues 17-37): GIPAEYAPPP[Pro27Leu]HPTQDYSGQT